The following is an entry in ClinVar:

NM_001101362.3(KBTBD13):c.196C>A (p.Arg66Ser)

Gene: KBTBD13 (kelch repeat and BTB domain containing 13; plus strand). Cytogenetic location: 15q22.31.
Variant type: single nucleotide variant.
Coding change: c.196C>A on transcript NM_001101362.3 (MANE Select); coding-DNA position 196, C replaced by A.
Protein change: p.Arg66Ser; replaces arginine 66 with serine.
Molecular consequence: missense variant.
Genome position (GRCh38, 1-based): chr15:65,077,011, C>A. VCF-style: chr15-65077011-C-A. GRCh37 (hg19) VCF-style: chr15-65369349-C-A.
Other names: short protein forms R66S.
Identifiers: ClinVar variation 4749228 (VCV004749228.1).
Genomic context (GRCh38, chr15:65,077,011, plus strand): 5'-GCAGAGGTGCGCCTGGGCGTTCTGAGCGCGGGAGGTTTCCGCGCCACGCTGCAGGTGCTG[C>A]GCGGCGACCGGCCGGCGCTGGCGGCGGAGGACGAGCTGCTGCAGGCCGTGGAGTGCGCCG-3'
Protein context (NP_001094832.1, residues 56-76): GGFRATLQVL[Arg66Ser]GDRPALAAED

ClinVar aggregate classification (germline): Uncertain significance (1 of 4 stars; one submission).

Conditions:
Nemaline myopathy 6 (NEM6). Also called: Nemaline myopathy 6, autosomal dominant. Identifiers: Orphanet 171439, MedGen C1836472, MONDO:0012237, OMIM 609273.

gnomAD v4.1: 4 of 1,512,080 alleles (0.00026%); highest among the groups gnomAD compares: Non-Finnish European, 0.00026%; no homozygotes.

Submission:

Labcorp Genetics (formerly Invitae), Labcorp
Classification: Uncertain significance for Nemaline myopathy 6. Last evaluated: 2025-12-15. Review status: criteria provided, single submitter. Criteria: Invitae Variant Classification Sherloc (09022015). Collection method: clinical testing. Allele origin: germline.
Comment: This sequence change replaces arginine, which is basic and polar, with serine, which is neutral and polar, at codon 66 of the KBTBD13 protein (p.Arg66Ser). This variant is not present in population databases (gnomAD no frequency). This variant has not been reported in the literature in individuals affected with KBTBD13-related conditions. Invitae Evidence Modeling of protein sequence and biophysical properties (such as structural, functional, and spatial information, amino acid conservation, physicochemical variation, residue mobility, and thermodynamic stability) indicates that this missense variant is not expected to disrupt KBTBD13 protein function with a negative predictive value of 80%. In summary, the available evidence is currently insufficient to determine the role of this variant in disease. Therefore, it has been classified as a Variant of Uncertain Significance.